The following is an entry in ClinVar:

NM_032043.3(BRIP1):c.2661G>T (p.Lys887Asn)

Gene: BRIP1 (BRCA1 interacting DNA helicase 1; minus strand). Cytogenetic location: 17q23.2.
Variant type: single nucleotide variant.
Coding change: c.2661G>T on transcript NM_032043.3 (MANE Select); coding-DNA position 2661, G replaced by T.
Protein change: p.Lys887Asn; replaces lysine 887 with asparagine.
Molecular consequence: missense variant.
Genome position (GRCh38, 1-based): chr17:61,686,080, C>A on the plus strand (G>T on the coding strand, the complement: BRIP1 is on the minus strand). VCF-style: chr17-61686080-C-A. GRCh37 (hg19) VCF-style: chr17-59763441-C-A.
Other names: short protein forms K887N.
Identifiers: ClinVar variation 2014450 (VCV002014450.4), dbSNP rs2144116102, ClinGen allele CA400481835.

ClinVar aggregate classification (germline): Uncertain significance (1 of 4 stars; one submission).

Conditions:
Familial cancer of breast. Also called: hereditary breast carcinoma; BREAST CANCER, FAMILIAL; Hereditary breast cancer. Identifiers: Orphanet 227535, MedGen C0346153, MONDO:0016419, OMIM 114480. Disease mechanism: loss of function.
Fanconi anemia complementation group J. Also called: BRIP1-Related Fanconi Anemia. Identifiers: Orphanet 84, MedGen C1836860, MONDO:0012187, OMIM 609054.

Submission:

Labcorp Genetics (formerly Invitae), Labcorp
Classification: Uncertain significance for Familial cancer of breast; Fanconi anemia complementation group J. Last evaluated: 2022-07-06. Review status: criteria provided, single submitter. Criteria: Invitae Variant Classification Sherloc (09022015). Collection method: clinical testing. Allele origin: germline.
Comment: In summary, the available evidence is currently insufficient to determine the role of this variant in disease. Therefore, it has been classified as a Variant of Uncertain Significance. Algorithms developed to predict the effect of missense changes on protein structure and function (SIFT, PolyPhen-2, Align-GVGD) all suggest that this variant is likely to be tolerated. This variant has not been reported in the literature in individuals affected with BRIP1-related conditions. This variant is not present in population databases (gnomAD no frequency). This sequence change replaces lysine, which is basic and polar, with asparagine, which is neutral and polar, at codon 887 of the BRIP1 protein (p.Lys887Asn).